The following is an entry in ClinVar:

NM_000179.3(MSH6):c.3450A>C (p.Leu1150Phe)

Gene: MSH6 (mutS homolog 6; plus strand). Cytogenetic location: 2p16.3.
Variant type: single nucleotide variant.
Coding change: c.3450A>C on transcript NM_000179.3 (MANE Select); coding-DNA position 3450, A replaced by C.
Protein change: p.Leu1150Phe; replaces leucine 1150 with phenylalanine.
Molecular consequence: missense variant.
Genome position (GRCh38, 1-based): chr2:47,804,921, A>C. VCF-style: chr2-47804921-A-C. GRCh37 (hg19) VCF-style: chr2-48032060-A-C.
Other names: c.3060A>C, p.Leu1020Phe (NM_001281492.2); c.2544A>C, p.Leu848Phe (NM_001281493.2, NM_001281494.2); short protein forms L1150F, L848F, L1020F.
Identifiers: ClinVar variation 234462 (VCV000234462.33), dbSNP rs762134820, ClinGen allele CA070980.
Genomic context (GRCh38, chr2:47,804,921, plus strand): 5'-GAAACTGTTACTACCAGTCATAAAAGACCTTTTCCTCCCTCATTCACAGGCTGGCTTATT[A>C]GCTGTAATGGCCCAGATGGGTTGTTACGTCCCTGCTGAAGTGTGCAGGCTCACACCAATT-3'
Protein context (NP_000170.1, residues 1140-1160): KSTLMRQAGL[Leu1150Phe]AVMAQMGCYV

ClinVar aggregate classification (germline): Uncertain significance. Review status: criteria provided, multiple submitters, no conflicts (2 of 4 stars). 7 submissions from 7 submitters: Uncertain significance (7). Last evaluated 2026-01-27.

Conditions:
Mismatch repair cancer syndrome 1 (MMRCS1). Also called: BRAIN TUMOR-POLYPOSIS SYNDROME 1; BTP1 SYNDROME; CHILDHOOD CANCER SYNDROME; MISMATCH REPAIR DEFICIENCY; MMR DEFICIENCY. Identifiers: Orphanet 252202, MedGen C5399763, MONDO:0010159, OMIM 276300. Disease mechanism: loss of function.
Lynch syndrome 5 (LYNCH5). Also called: Hereditary non-polyposis colorectal cancer, type 5; Colorectal cancer, hereditary nonpolyposis, type 5. Identifiers: Orphanet 144, MedGen C1833477, MONDO:0013710, OMIM 614350. Disease mechanism: loss of function.
Hereditary nonpolyposis colorectal neoplasms. Identifiers: MedGen C0009405, MeSH D003123.
Hereditary cancer-predisposing syndrome. Also called: Hereditary neoplastic syndrome; Hereditary Cancer Syndrome; Neoplastic Syndromes, Hereditary; Tumor predisposition. Identifiers: Orphanet 140162, MedGen C0027672, MeSH D009386, MONDO:0015356.
Endometrial carcinoma. Also called: Endometrial carcinoma, somatic. Identifiers: MedGen C0476089, MONDO:0002447, OMIM 608089, HP:0012114.

Allele frequency attached by ClinVar (database versions not stated): ExAC 0.00001.
gnomAD v4.1: 12 of 1,613,930 alleles (0.00074%); highest among the groups gnomAD compares: Non-Finnish European, 0.001%; no homozygotes.

Submissions (7):

Labcorp Genetics (formerly Invitae), Labcorp
Classification: Uncertain significance for Hereditary nonpolyposis colorectal neoplasms. Last evaluated: 2026-01-27. Review status: criteria provided, single submitter. Criteria: Invitae Variant Classification Sherloc (09022015). Collection method: clinical testing. Allele origin: germline.
Comment: This sequence change replaces leucine, which is neutral and non-polar, with phenylalanine, which is neutral and non-polar, at codon 1150 of the MSH6 protein (p.Leu1150Phe). This variant is present in population databases (rs762134820, gnomAD 0.002%). This variant has not been reported in the literature in individuals affected with MSH6-related conditions. ClinVar contains an entry for this variant (Variation ID: 234462). Invitae Evidence Modeling of protein sequence and biophysical properties (such as structural, functional, and spatial information, amino acid conservation, physicochemical variation, residue mobility, and thermodynamic stability) indicates that this missense variant is not expected to disrupt MSH6 protein function with a negative predictive value of 95%. In summary, the available evidence is currently insufficient to determine the role of this variant in disease. Therefore, it has been classified as a Variant of Uncertain Significance.

Color Diagnostics, LLC DBA Color Health
Classification: Uncertain significance for Hereditary cancer-predisposing syndrome. Last evaluated: 2024-09-09. Review status: criteria provided, single submitter. Criteria: ACMG Guidelines, 2015. Collection method: clinical testing. Allele origin: germline.
Comment: This missense variant replaces leucine with phenylalanine at codon 1150 of the MSH6 protein. Computational prediction is inconclusive regarding the impact of this variant on protein structure and function (internally defined REVEL score threshold 0.5 < inconclusive < 0.7, PMID: 27666373). To our knowledge, functional studies have not been reported for this variant. This variant has not been reported in individuals affected with MSH6-related disorders in the literature. This variant has been identified in 2/251420 chromosomes in the general population by the Genome Aggregation Database (gnomAD). The available evidence is insufficient to determine the role of this variant in disease conclusively. Therefore, this variant is classified as a Variant of Uncertain Significance.

Molecular Pathology, Peter Maccallum Cancer Centre
Classification: Uncertain significance for Lynch syndrome 5. Last evaluated: 2024-08-08. Review status: criteria provided, single submitter. Criteria: ACMG Guidelines, 2015. Collection method: clinical testing. Allele origin: germline. Inheritance: Autosomal dominant inheritance.

Ambry Genetics
Classification: Uncertain significance for Hereditary cancer-predisposing syndrome. Last evaluated: 2024-02-02. Review status: criteria provided, single submitter. Criteria: Ambry Variant Classification Scheme 2023. Collection method: clinical testing. Allele origin: germline.
Comment: The p.L1150F variant (also known as c.3450A>C), located in coding exon 6 of the MSH6 gene, results from an A to C substitution at nucleotide position 3450. The leucine at codon 1150 is replaced by phenylalanine, an amino acid with highly similar properties. This amino acid position is well conserved in available vertebrate species. In addition, the in silico prediction for this alteration is inconclusive. Based on the available evidence, the clinical significance of this alteration remains unclear.

Baylor Genetics
Classification: Uncertain significance for Endometrial carcinoma. Last evaluated: 2023-08-02. Review status: criteria provided, single submitter. Criteria: ACMG Guidelines, 2015. Collection method: clinical testing. Allele origin: unknown.

St. Jude Molecular Pathology, St. Jude Children's Research Hospital
Classification: Uncertain significance for Lynch syndrome 5. Last evaluated: 2022-05-26. Review status: criteria provided, single submitter. Criteria: St. Jude Assertion Criteria 2020. Collection method: clinical testing. Allele origin: germline.
Comment: The MSH6 c.3450A>C (p.Leu1150Phe) missense change has a maximum subpopulation frequency of 0.0018% in gnomAD v2.1.1. The in silico tool REVEL predicts a deleterious effect on protein function, but to our knowledge this prediction has not been confirmed by functional studies. To our knowledge, this variant has not been reported in individuals with Lynch syndrome or CMMRD. In summary, this variant meets criteria to be classified as of uncertain significance.

GeneDx
Classification: Uncertain significance. Last evaluated: 2017-01-30. Review status: criteria provided, single submitter. Criteria: GeneDx Variant Classification (06012015). Collection method: clinical testing. Allele origin: germline. Affected: yes.
Comment: This variant is denoted MSH6 c.3450A>C at the cDNA level, p.Leu1150Phe (L1150F) at the protein level, and results in the change of a Leucine to a Phenylalanine (TTA>TTC). This variant has not, to our knowledge, been published in the literature as pathogenic or benign. MSH6 Leu1150Phe was not observed in approximately 6,500 individuals of European and African American ancestry in the NHLBI Exome Sequencing Project, suggesting it is not a common benign variant in these populations. Since Leucine and Phenylalanine share similar properties, this is considered a conservative amino acid substitution. MSH6 Leu1150Phe occurs at a position where amino acids with properties similar to Leucine are tolerated across species and is located within the ATP binding motif (Kariola 2002). In silico analyses predict that this variant is probably damaging to protein structure and function. Based on currently available information, it is unclear whether MSH6 Leu1150Phe is pathogenic or benign. We consider it to be a variant of uncertain significance.